The following is an entry in ClinVar:

NM_000260.4(MYO7A):c.19-1G>A

Gene: MYO7A (myosin VIIA; plus strand). Cytogenetic location: 11q13.5.
Variant type: single nucleotide variant.
Coding change: c.19-1G>A on transcript NM_000260.4 (MANE Select); the canonical splice acceptor site of the intron before coding-DNA position 19, G replaced by A.
Molecular consequence: splice acceptor variant.
Genome position (GRCh38, 1-based): chr11:77,142,708, G>A. VCF-style: chr11-77142708-G-A. GRCh37 (hg19) VCF-style: chr11-76853754-G-A.
Other names: c.-15-1G>A (NM_001369365.1); c.19-1G>A (NM_001127180.2).
Identifiers: ClinVar variation 43163 (VCV000043163.13), dbSNP rs111033426, ClinGen allele CA278634.
Genomic context (GRCh38, chr11:77,142,708, plus strand): 5'-CTGGAAGGGGCTCCAATCCCCCTCCCTGCTCACCTGGGCTGAGACTCTCTCTCGCCCATA[G>A]GGGGACCATGTGTGGATGGACCTGAGATTGGGGCAGGAGTTCGACGTGCCCATCGGGGCG-3'

ClinVar aggregate classification (germline): Likely pathogenic. Review status: criteria provided, multiple submitters, no conflicts (2 of 4 stars). 4 submissions from 4 submitters: Likely pathogenic (3). 1 of the submissions does not count toward it. Last evaluated 2024-02-16.

Conditions:
MYO7A-related disorder. Also called: MYO7A-related disorders.
Rare genetic deafness. Identifiers: Orphanet 96210, MedGen C5680250.
Autosomal recessive nonsyndromic hearing loss 2. Also called: DEAFNESS, AUTOSOMAL RECESSIVE 2; NEUROSENSORY NONSYNDROMIC RECESSIVE DEAFNESS 2. Identifiers: Orphanet 90636, MedGen C1838701, MONDO:0010807, OMIM 600060.
Usher syndrome type 1 (USH1). Also called: RETINITIS PIGMENTOSA AND CONGENITAL DEAFNESS. Identifiers: Orphanet 231169, Orphanet 886, MedGen C1568247, MONDO:0010168, OMIM 276900.

Allele frequency attached by ClinVar (database versions not stated): gnomAD exomes 0.00001.
gnomAD v4.1: 6 of 1,608,270 alleles (0.00037%); highest among the groups gnomAD compares: Non-Finnish European, 0.00051%; no homozygotes.

Submissions (4):

Labcorp Genetics (formerly Invitae), Labcorp
Classification: Likely pathogenic. Last evaluated: 2024-02-16. Review status: criteria provided, single submitter. Criteria: Invitae Variant Classification Sherloc (09022015). Collection method: clinical testing. Allele origin: germline.
Comment: This sequence change affects an acceptor splice site in intron 2 of the MYO7A gene. It is expected to disrupt RNA splicing. Variants that disrupt the donor or acceptor splice site typically lead to a loss of protein function (PMID: 16199547), and loss-of-function variants in MYO7A are known to be pathogenic (PMID: 8900236, 25404053). This variant is not present in population databases (gnomAD no frequency). Disruption of this splice site has been observed in individual(s) with Usher syndrome (PMID: 25468891). ClinVar contains an entry for this variant (Variation ID: 43163). Algorithms developed to predict the effect of sequence changes on RNA splicing suggest that this variant may disrupt the consensus splice site. In summary, the currently available evidence indicates that the variant is pathogenic, but additional data are needed to prove that conclusively. Therefore, this variant has been classified as Likely Pathogenic.

Blueprint Genetics
Classification: Likely pathogenic for MYO7A-related disorders. Last evaluated: 2017-06-08. Review status: criteria provided, single submitter. Criteria: ACMG Guidelines, 2015. Collection method: clinical testing. Allele origin: germline. Affected: yes. Observed: 5 variant alleles.

Laboratory for Molecular Medicine, Mass General Brigham Personalized Medicine
Classification: Likely pathogenic for Rare genetic deafness. Last evaluated: 2009-06-03. Review status: criteria provided, single submitter. Criteria: LMM Criteria. Collection method: clinical testing. Allele origin: germline. Observed: 2 variant alleles.

Counsyl
Classification: Likely pathogenic for Usher syndrome type 1; Autosomal recessive nonsyndromic hearing loss 2. Last evaluated: 2017-03-16. Review status: no assertion criteria provided. Collection method: clinical testing. Allele origin: unknown. Not counted in ClinVar's aggregate classification.

Literature cited by the submitters: PubMed 16199547 (cited by Labcorp Genetics (formerly Invitae), Labcorp); PubMed 8900236 (cited by Labcorp Genetics (formerly Invitae), Labcorp); PubMed 25404053 (cited by Labcorp Genetics (formerly Invitae), Labcorp); PubMed 25468891 (cited by Labcorp Genetics (formerly Invitae), Labcorp and Counsyl).